The following is an entry in ClinVar:

ClinVar aggregate classification (germline): Conflicting classifications of pathogenicity. Review status: criteria provided, conflicting classifications (1 of 4 stars). 3 submissions from 3 submitters: Likely pathogenic (1); Uncertain significance (2). Last evaluated 2025-10-27.

Conditions:
Hereditary cancer-predisposing syndrome. Also called: Neoplastic Syndromes, Hereditary; Tumor predisposition; Hereditary neoplastic syndrome; Hereditary Cancer Syndrome. Identifiers: Orphanet 140162, MedGen C0027672, MeSH D009386, MONDO:0015356.
Bloom syndrome (BLM). Also called: Bloom-Torre-Machacek syndrome. Identifiers: Orphanet 125, MedGen C0005859, MONDO:0008876, OMIM 210900.

Submissions (3):

Myriad Genetics, Inc.
Classification: Likely pathogenic for Bloom syndrome. Last evaluated: 2025-10-27. Review status: criteria provided, single submitter. Criteria: Myriad Autosomal Dominant, Autosomal Recessive and X-Linked Classification Criteria (2023). Collection method: clinical testing. Allele origin: unknown.
Comment: NM_000057.3(BLM):c.2084A>G(K695R) is a missense variant classified as likely pathogenic in the context of Bloom syndrome. K695R has not been observed in cases with relevant disease. Relevant functional assessments of this variant are available in the literature (PMID: 21325134, 38593805). K695R has not been observed in referenced population frequency databases. In summary, NM_000057.3(BLM):c.2084A>G(K695R) is a missense variant that has both functional and internal structural support for pathogenicity and has been observed more frequently in cases with the relevant disease than in healthy populations. Please note: this variant was assessed in the context of healthy population screening.

Labcorp Genetics (formerly Invitae), Labcorp
Classification: Uncertain significance for Bloom syndrome. Last evaluated: 2024-03-21. Review status: criteria provided, single submitter. Criteria: Invitae Variant Classification Sherloc (09022015). Collection method: clinical testing. Allele origin: germline.
Comment: This sequence change replaces lysine, which is basic and polar, with arginine, which is basic and polar, at codon 695 of the BLM protein (p.Lys695Arg). This variant is not present in population databases (gnomAD no frequency). This variant has not been reported in the literature in individuals affected with BLM-related conditions. ClinVar contains an entry for this variant (Variation ID: 1476904). Advanced modeling of protein sequence and biophysical properties (such as structural, functional, and spatial information, amino acid conservation, physicochemical variation, residue mobility, and thermodynamic stability) performed at Invitae indicates that this missense variant is expected to disrupt BLM protein function with a positive predictive value of 80%. Experimental studies have shown that this missense change affects BLM function (PMID: 23129629). In summary, the available evidence is currently insufficient to determine the role of this variant in disease. Therefore, it has been classified as a Variant of Uncertain Significance.

Ambry Genetics
Classification: Uncertain significance for Hereditary cancer-predisposing syndrome. Last evaluated: 2023-03-01. Review status: criteria provided, single submitter. Criteria: Ambry Variant Classification Scheme 2023. Collection method: clinical testing. Allele origin: germline.
Comment: The p.K695R variant (also known as c.2084A>G), located in coding exon 8 of the BLM gene, results from an A to G substitution at nucleotide position 2084. The lysine at codon 695 is replaced by arginine, an amino acid with highly similar properties. This alteration showed strong reduction in ATPase and helicase activity (Bussen W. et al J Biol Chem 2007 Oct;282(43):31484-92) and functional studies performed in yeast showed a lack of activity comparable to known BLM mutations (Mirzaei H et al. Proc. Natl. Acad. Sci. U.S.A. 2012 Nov;109:19357-62; Shastri VM et al. Mol Genet Genomic Med. 2016 Jan;4:106-19). Additionally, internal structural analysis of this variant shows that it is destabilizing to the local structure (Ambry internal data, Chen X et al. Elife, 2021 03;10:) and it is also predicted to be deleterious by in silico analysis. This amino acid position is highly conserved in available vertebrate species. Since supporting evidence is limited at this time, the clinical significance of this alteration remains unclear.

Literature cited by the submitters: PubMed 21325134 (cited by Myriad Genetics, Inc.); PubMed 38593805 (cited by Myriad Genetics, Inc.); PubMed 23129629 (cited by Labcorp Genetics (formerly Invitae), Labcorp).

NM_000057.4(BLM):c.2084A>G (p.Lys695Arg)

Gene: BLM (BLM RecQ like helicase; plus strand). Cytogenetic location: 15q26.1.
Variant type: single nucleotide variant.
Coding change: c.2084A>G on transcript NM_000057.4 (MANE Select); coding-DNA position 2084, A replaced by G.
Protein change: p.Lys695Arg; replaces lysine 695 with arginine.
Molecular consequence: missense variant.
Genome position (GRCh38, 1-based): chr15:90,765,305, A>G. VCF-style: chr15-90765305-A-G. GRCh37 (hg19) VCF-style: chr15-91308535-A-G.
Other names: c.2084A>G (NM_000057.2); c.2084A>G, p.Lys695Arg (NM_001287246.2, NM_001287247.2); c.959A>G, p.Lys320Arg (NM_001287248.2); short protein forms K320R, K695R.
Identifiers: ClinVar variation 1476904 (VCV001476904.13), dbSNP rs2151162329, ClinGen allele CA393844524.
Genomic context (GRCh38, chr15:90,765,305, plus strand): 5'-CATGCTCTGAAGACAGAACCTGACAGATATTTTTTCATTGTTCTCTTTCAGGAGGTGGTA[A>G]GAGTTTGTGTTACCAGCTCCCTGCCTGTGTTTCTCCTGGGGTCACTGTTGTCATTTCTCC-3'
Protein context (NP_000048.1, residues 685-705): CFILMPTGGG[Lys695Arg]SLCYQLPACV